The following is an entry in ClinVar:

ClinVar aggregate classification (germline): Uncertain significance. Review status: criteria provided, multiple submitters, no conflicts (2 of 4 stars). 6 submissions from 5 submitters: Uncertain significance (6). Last evaluated 2023-03-03.

Conditions:
Muscular dystrophy-dystroglycanopathy (congenital with brain and eye anomalies), type A6. Also called: MUSCULAR DYSTROPHY-DYSTROGLYCANOPATHY (CONGENITAL WITH BRAIN AND EYE ANOMALIES), TYPE A, 6; WALKER-WARBURG SYNDROME OR MUSCLE-EYE-BRAIN DISEASE, LARGE-RELATED. Identifiers: Orphanet 588, Orphanet 899, MedGen C3150414, MONDO:0013158, OMIM 613154.
Muscular dystrophy-dystroglycanopathy type B6 (MDDGB6). Also called: MUSCULAR DYSTROPHY, CONGENITAL, LARGE-RELATED; MUSCULAR DYSTROPHY, CONGENITAL, TYPE 1D; MUSCULAR DYSTROPHY-DYSTROGLYCANOPATHY (CONGENITAL WITH IMPAIRED INTELLECTUAL DEVELOPMENT), TYPE B, 6. Identifiers: MedGen C1837229, MONDO:0012138, OMIM 608840.

Allele frequency attached by ClinVar (database versions not stated): gnomAD 0.00007; gnomAD exomes 0.00007 and 0.00017; TOPMed 0.00014; ExAC 0.00019.

Submissions (6):

Revvity Omics, Revvity
Classification: Uncertain significance. Last evaluated: 2023-03-03. Review status: criteria provided, single submitter. Criteria: ACMG Guidelines, 2015. Collection method: clinical testing. Allele origin: germline.

Blueprint Genetics
Classification: Uncertain significance. Last evaluated: 2022-08-03. Review status: criteria provided, single submitter. Criteria: ACMG Guidelines, 2015. Collection method: clinical testing. Allele origin: germline.

Labcorp Genetics (formerly Invitae), Labcorp
Classification: Uncertain significance for Muscular dystrophy-dystroglycanopathy type B6. Last evaluated: 2022-07-22. Review status: criteria provided, single submitter. Criteria: Invitae Variant Classification Sherloc (09022015). Collection method: clinical testing. Allele origin: germline.
Comment: This sequence change replaces arginine, which is basic and polar, with histidine, which is basic and polar, at codon 286 of the LARGE1 protein (p.Arg286His). This variant is present in population databases (rs200035534, gnomAD 0.1%). This variant has not been reported in the literature in individuals affected with LARGE1-related conditions. ClinVar contains an entry for this variant (Variation ID: 341435). Algorithms developed to predict the effect of missense changes on protein structure and function are either unavailable or do not agree on the potential impact of this missense change (SIFT: "Tolerated"; PolyPhen-2: "Probably Damaging"; Align-GVGD: "Class C0"). In summary, the available evidence is currently insufficient to determine the role of this variant in disease. Therefore, it has been classified as a Variant of Uncertain Significance.

Mayo Clinic Laboratories, Mayo Clinic
Classification: Uncertain significance. Last evaluated: 2019-08-26. Review status: criteria provided, single submitter. Criteria: ACMG Guidelines, 2015. Collection method: clinical testing. Allele origin: germline. Observed: 1 variant allele.

Illumina Laboratory Services, Illumina
Classification: Uncertain significance for Muscular dystrophy-dystroglycanopathy (congenital with brain and eye anomalies), type A6. Last evaluated: 2018-01-13. Review status: criteria provided, single submitter. Criteria: ICSL Variant Classification Criteria 13 December 2019. Collection method: clinical testing. Allele origin: germline.

Illumina Laboratory Services, Illumina
Classification: Uncertain significance for Muscular dystrophy-dystroglycanopathy type B6. Last evaluated: 2018-01-13. Review status: criteria provided, single submitter. Criteria: ICSL Variant Classification Criteria 13 December 2019. Collection method: clinical testing. Allele origin: germline.

NM_133642.5(LARGE1):c.857G>A (p.Arg286His)

Gene: LARGE1 (LARGE xylosyl- and glucuronyltransferase 1; minus strand). Cytogenetic location: 22q12.3.
Variant type: single nucleotide variant.
Coding change: c.857G>A on transcript NM_133642.5 (MANE Select); coding-DNA position 857, G replaced by A.
Protein change: p.Arg286His; replaces arginine 286 with histidine.
Molecular consequence: missense variant.
Genome position (GRCh38, 1-based): chr22:33,432,196, C>T on the plus strand (G>A on the coding strand, the complement: LARGE1 is on the minus strand). VCF-style: chr22-33432196-C-T. GRCh37 (hg19) VCF-style: chr22-33828182-C-T.
Other names: c.857G>A, p.Arg286His (NM_001362949.2, NM_001362951.2, NM_001362953.2 and 7 more transcripts); c.254G>A, p.Arg85His (NM_001378630.1, NM_001378631.1); c.857G>A (NM_004737.6); short protein forms R286H, R85H.
Identifiers: ClinVar variation 341435 (VCV000341435.15), dbSNP rs200035534, ClinGen allele CA10202924.
Genomic context (GRCh38, chr22:33,432,196, plus strand): 5'-TTCCCATACCACCCTGAGGATTTACCTGTGTTGTAGCCTCTTCCAAGGGCTGGCCATGGG[C>T]GGTGATTTTTCCACAGGTTTCCAAGGTACCAGTCACTCTGGTTCTCCACCAAGCCCAGGA-3'
Protein context (NP_598397.1, residues 276-296): WYLGNLWKNH[Arg286His]PWPALGRGYN